The following is an entry in ClinVar:

NM_001042492.3(NF1):c.5242C>T (p.His1748Tyr)

Gene: NF1 (neurofibromin 1; plus strand). Cytogenetic location: 17q11.2.
Variant type: single nucleotide variant.
Coding change: c.5242C>T on transcript NM_001042492.3 (MANE Select); coding-DNA position 5242, C replaced by T.
Protein change: p.His1748Tyr; replaces histidine 1748 with tyrosine.
Molecular consequence: missense variant.
Genome position (GRCh38, 1-based): chr17:31,326,226, C>T. VCF-style: chr17-31326226-C-T. GRCh37 (hg19) VCF-style: chr17-29653244-C-T.
Other names: c.5179C>T, p.His1727Tyr (NM_000267.4); short protein forms H1727Y, H1748Y.
Identifiers: ClinVar variation 3879052 (VCV003879052.1).

ClinVar aggregate classification (germline): Uncertain significance (1 of 4 stars; one submission).

Conditions:
Cardiovascular phenotype. Identifiers: MedGen CN230736.
Hereditary cancer-predisposing syndrome. Also called: Tumor predisposition; Neoplastic Syndromes, Hereditary; Hereditary Cancer Syndrome; Hereditary neoplastic syndrome. Identifiers: Orphanet 140162, MedGen C0027672, MeSH D009386, MONDO:0015356.

gnomAD v4.1: 3 of 1,610,972 alleles (0.00019%); highest among the groups gnomAD compares: Non-Finnish European, 0.00025%; no homozygotes.

Submission:

Ambry Genetics
Classification: Uncertain significance for Cardiovascular phenotype; Hereditary cancer-predisposing syndrome. Last evaluated: 2025-01-23. Review status: criteria provided, single submitter. Criteria: Ambry Variant Classification Scheme 2023. Collection method: clinical testing. Allele origin: germline.
Comment: The p.H1727Y variant (also known as c.5179C>T), located in coding exon 36 of the NF1 gene, results from a C to T substitution at nucleotide position 5179. The histidine at codon 1727 is replaced by tyrosine, an amino acid with similar properties. This amino acid position is highly conserved in available vertebrate species. In addition, this alteration is predicted to be tolerated by in silico analysis. Based on the available evidence, the clinical significance of this variant remains unclear.